The following is an entry in ClinVar:

NM_012463.4(ATP6V0A2):c.2030G>A (p.Gly677Glu)

Gene: ATP6V0A2 (ATPase H+ transporting V0 subunit a2; plus strand). Cytogenetic location: 12q24.31.
Variant type: single nucleotide variant.
Coding change: c.2030G>A on transcript NM_012463.4 (MANE Select); coding-DNA position 2030, G replaced by A.
Protein change: p.Gly677Glu; replaces glycine 677 with glutamic acid.
Molecular consequence: missense variant.
Genome position (GRCh38, 1-based): chr12:123,751,204, G>A. VCF-style: chr12-123751204-G-A. GRCh37 (hg19) VCF-style: chr12-124235751-G-A.
Other names: short protein forms G677E.
Identifiers: ClinVar variation 450408 (VCV000450408.2), dbSNP rs1555299234, ClinGen allele CA387163067.

ClinVar aggregate classification (germline): Uncertain significance (1 of 4 stars; one submission).

Submission:

GeneDx
Classification: Uncertain significance. Last evaluated: 2017-07-11. Review status: criteria provided, single submitter. Criteria: GeneDx Variant Classification (06012015). Collection method: clinical testing. Allele origin: germline. Affected: yes.
Comment: A variant of uncertain significance has been identified in the ATP6V0A2 gene. The G677E variant has not been published as pathogenic or been reported as benign to our knowledge. This variant is not observed in large population cohorts (Lek et al., 2016; 1000 Genomes Consortium et al., 2015; Exome Variant Server). The G677E variant is a non-conservative amino acid substitution, which is likely to impact secondary protein structure as these residues differ in polarity, charge, size and/or other properties. This substitution occurs at a position that is conserved across species and in silico analysis suggests that this variant is probably damaging to the protein structure/function. However, this variant lacks observation in a significant number of affected individuals, segregation data, and functional evidence, which would further clarify its pathogenicity.